The following is an entry in ClinVar:

NM_018062.4(FANCL):c.374+17A>G

Gene: FANCL (FA complementation group L; minus strand). Cytogenetic location: 2p16.1.
Variant type: single nucleotide variant.
Coding change: c.374+17A>G on transcript NM_018062.4 (MANE Select); 17 bases into the intron after coding-DNA position 374, A replaced by G.
Molecular consequence: intron variant.
Genome position (GRCh38, 1-based): chr2:58,221,925, T>C on the plus strand (A>G on the coding strand, the complement: FANCL is on the minus strand). VCF-style: chr2-58221925-T-C. GRCh37 (hg19) VCF-style: chr2-58449060-T-C.
Other names: c.374+17A>G (NM_001374615.1, NM_001114636.2, NM_001410792.1).
Identifiers: ClinVar variation 3700615 (VCV003700615.2).

ClinVar aggregate classification (germline): Uncertain significance (1 of 4 stars; one submission).

Conditions:
Fanconi anemia (FA). Also called: Fanconi's anemia. Identifiers: Orphanet 84, MedGen C0015625, MeSH D005199, MONDO:0019391.

Submission:

Labcorp Genetics (formerly Invitae), Labcorp
Classification: Uncertain significance for Fanconi anemia. Last evaluated: 2024-05-27. Review status: criteria provided, single submitter. Criteria: Invitae Variant Classification Sherloc (09022015). Collection method: clinical testing. Allele origin: germline.
Comment: This sequence change falls in intron 5 of the FANCL gene. It does not directly change the encoded amino acid sequence of the FANCL protein. This variant is not present in population databases (gnomAD no frequency). This variant has not been reported in the literature in individuals affected with FANCL-related conditions. Algorithms developed to predict the effect of sequence changes on RNA splicing suggest that this variant may create or strengthen a splice site. In summary, the available evidence is currently insufficient to determine the role of this variant in disease. Therefore, it has been classified as a Variant of Uncertain Significance.